The following is an entry in ClinVar:

NM_001378457.1(DMXL2):c.457G>T (p.Val153Phe)

Gene: DMXL2 (Dmx like 2; minus strand). Cytogenetic location: 15q21.2.
Variant type: single nucleotide variant.
Coding change: c.457G>T on transcript NM_001378457.1 (MANE Select); coding-DNA position 457, G replaced by T.
Protein change: p.Val153Phe; replaces valine 153 with phenylalanine.
Molecular consequence: missense variant. On other transcripts: non-coding transcript variant (2).
Genome position (GRCh38, 1-based): chr15:51,564,168, C>A on the plus strand (G>T on the coding strand, the complement: DMXL2 is on the minus strand). VCF-style: chr15-51564168-C-A. GRCh37 (hg19) VCF-style: chr15-51856365-C-A.
Other names: c.457G>T, p.Val153Phe (NM_001174116.3, NM_001174117.3, NM_001378458.1 and 7 more transcripts); c.457G>T (NM_001174116.1); short protein forms V153F.
Identifiers: ClinVar variation 1354063 (VCV001354063.9), dbSNP rs138368622, ClinGen allele CA7562828.

ClinVar aggregate classification (germline): Likely benign. Review status: criteria provided, multiple submitters, no conflicts (2 of 4 stars). 2 submissions from 2 submitters: Likely benign (2). Last evaluated 2025-10-13.

Conditions:
DMXL2-related disorder. Also called: DMXL2-related condition.

Allele frequency attached by ClinVar (database versions not stated): gnomAD exomes 0.00008 and 0.00017; ExAC 0.00011; ESP Exome Variant Server 0.00023.
gnomAD v4.1: 132 of 1,606,488 alleles (0.0082%); highest among the groups gnomAD compares: Non-Finnish European, 0.0012%; no homozygotes.

Submissions (2):

Labcorp Genetics (formerly Invitae), Labcorp
Classification: Likely benign. Last evaluated: 2025-10-13. Review status: criteria provided, single submitter. Criteria: Invitae Variant Classification Sherloc (09022015). Collection method: clinical testing. Allele origin: germline.

PreventionGenetics, part of Exact Sciences
Classification: Likely benign for DMXL2-related condition. Last evaluated: 2025-03-25. Review status: criteria provided, single submitter. Criteria: ACMG Guidelines, 2015. Collection method: clinical testing. Allele origin: germline.
Comment: This variant is classified as likely benign based on ACMG/AMP sequence variant interpretation guidelines (Richards et al. 2015 PMID: 25741868, with internal and published modifications).